The following is an entry in ClinVar:

NC_000019.9:g.(?_54297283)_(54318262_?)dup

Gene: NLRP12 (NLR family pyrin domain containing 12; minus strand). Cytogenetic location: 19q13.42.
Variant type: Duplication.
Identifiers: ClinVar variation 655749 (VCV000655749.5).

ClinVar aggregate classification (germline): Uncertain significance (1 of 4 stars; one submission).

Conditions:
Familial cold autoinflammatory syndrome 2 (FCAS2). Identifiers: Orphanet 247868, MedGen C2673198, MONDO:0012724, OMIM 611762.

Submission:

Labcorp Genetics (formerly Invitae), Labcorp
Classification: Uncertain significance for Familial cold autoinflammatory syndrome 2. Last evaluated: 2018-12-09. Review status: criteria provided, single submitter. Criteria: Invitae Variant Classification Sherloc (09022015). Collection method: clinical testing. Allele origin: germline.
Comment: This variant results in a copy number gain of the genomic region encompassing exons 2-10 of the NLRP12 gene. The 5' boundary is likely confined to intron 1. The 3' end of this event is unknown as it extends beyond the assayed region for this gene and therefore may encompass additional genes. As the precise location of this event is unknown, it may be in tandem or it may be located elsewhere in the genome. This variant has not been reported in the literature in individuals with NLRP12-related conditions. In summary, the available evidence is currently insufficient to determine the role of this variant in disease. Therefore, it has been classified as a Variant of Uncertain Significance.